The following is an entry in ClinVar:

NM_014846.4(WASHC5):c.296T>A (p.Phe99Tyr)

Gene: WASHC5 (WASH complex subunit 5; minus strand). Cytogenetic location: 8q24.13.
Variant type: single nucleotide variant.
Coding change: c.296T>A on transcript NM_014846.4 (MANE Select); coding-DNA position 296, T replaced by A.
Protein change: p.Phe99Tyr; replaces phenylalanine 99 with tyrosine.
Molecular consequence: missense variant. On other transcripts: 5 prime UTR variant (1).
Genome position (GRCh38, 1-based): chr8:125,083,149, A>T on the plus strand (T>A on the coding strand, the complement: WASHC5 is on the minus strand). VCF-style: chr8-125083149-A-T. GRCh37 (hg19) VCF-style: chr8-126095391-A-T.
Other names: c.-149T>A (NM_001330609.2); short protein forms F99Y.
Identifiers: ClinVar variation 3068577 (VCV003068577.4), dbSNP rs536198661, ClinGen allele CA4874166.

ClinVar aggregate classification (germline): Uncertain significance. Review status: criteria provided, multiple submitters, no conflicts (2 of 4 stars). 2 submissions from 2 submitters: Uncertain significance (2). Last evaluated 2023-05-20.

Conditions:
Hereditary spastic paraplegia 8 (SPG8). Also called: SPASTIC PARAPLEGIA 8, AUTOSOMAL DOMINANT. Identifiers: Orphanet 100989, MedGen C1863704, MONDO:0011339, OMIM 603563.

Allele frequency attached by ClinVar (database versions not stated): TOPMed below 0.00001; gnomAD exomes 0.00001; gnomAD 0.00003; ExAC 0.00005; 1000 Genomes Project 30x 0.00016; 1000 Genomes Project 0.00020.
gnomAD v4.1: 21 of 1,567,018 alleles (0.0013%); highest among the groups gnomAD compares: South Asian, 0.02%; no homozygotes.

Submissions (2):

Neuberg Centre For Genomic Medicine, NCGM
Classification: Uncertain significance for Hereditary spastic paraplegia 8. Last evaluated: 2023-05-20. Review status: criteria provided, single submitter. Criteria: ACMG Guidelines, 2015. Collection method: clinical testing. Allele origin: germline. Inheritance: Autosomal dominant inheritance. Affected: yes.
Comment: The observed missense variant c.296T>A(p.Phe99Tyr) in WASHC5 gene has not been reported previously as a pathogenic variant nor as a benign variant, to our knowledge. The c.296T>A variant has 0.002% allele frequency in gnomAD Exomes. The amino acid Phenyl alanine at position 99 is changed to a Tyrosine changing protein sequence and it might alter its composition and physico-chemical properties. Multiple lines of computational evidence (Polyphen-probabaly damaging, SIFT-Damaging and Mutation Taster-Disease causing) predict a damaging effect on protein structure and function for this variant.The reference amino acid p.Phe99Tyr in WASHC5 is predicted as conserved by GERP++ and PhyloP across 100 vertebrates. For these reasons, this variant has been classified as Uncertain Significance.

Molecular Genetics, Royal Melbourne Hospital
Classification: Uncertain significance for Hereditary spastic paraplegia 8. Last evaluated: 2022-12-04. Review status: criteria provided, single submitter. Criteria: ACMG Guidelines, 2015. Collection method: clinical testing. Allele origin: germline.
Comment: This sequence change in WASHC5 is predicted to replace phenylalanine with tyrosine at codon 99, p.(Phe99Tyr). The phenylalanine residue is highly conserved (97/97 vertebrates, UCSC). There is a small physicochemical difference between phenylalanine and tyrosine. WASHC5, in which the variant was identified, is a gene where pathogenic missense variants are a known mechanism of disease (PMID 17160902). The highest population minor allele frequency in the population database gnomAD v3.1 is 0.083% (4/4826 alleles) in the South Asian population, which is inconsistent with dominant hereditary spastic paraplegia. To our knowledge, this variant has not been reported in the literature in any individuals with hereditary spastic paraplegia. Multiple lines of computational evidence predict a deleterious effect for the missense substitution (5/5 algorithms). Based on the classification scheme RMH Modified ACMG Guidelines v1.5.1, this variant is classified as VARIANT OF UNCERTAIN SIGNIFICANCE. Following criteria are met: PP3.

Literature cited by the submitters: PubMed 17160902 (cited by Molecular Genetics, Royal Melbourne Hospital).